The following is an entry in ClinVar:

NM_001031680.2(RUNX3):c.53T>A (p.Ile18Asn)

Genes: RUNX3 (RUNX family transcription factor 3; minus strand), RUNX3-AS1 (RUNX3 antisense RNA 1; plus strand). Cytogenetic location: 1p36.11.
Variant type: single nucleotide variant.
Coding change: c.53T>A on transcript NM_001031680.2; coding-DNA position 53, T replaced by A.
Protein change: p.Ile18Asn; replaces isoleucine 18 with asparagine.
Molecular consequence: missense variant. On other transcripts: non-coding transcript variant (3).
Genome position (GRCh38, 1-based): chr1:24,964,519, A>T on the plus strand (T>A on the coding strand, the complement: RUNX3 is on the minus strand). VCF-style: chr1-24964519-A-T. GRCh37 (hg19) VCF-style: chr1-25291010-A-T.
Other names: c.53T>A, p.Ile18Asn (NM_001320672.1); short protein forms I18N.
Identifiers: ClinVar variation 2688533 (VCV002688533.2), dbSNP rs6672420, ClinGen allele CA693200.

ClinVar aggregate classification (germline): Benign (1 of 4 stars; one submission).

Allele frequency attached by ClinVar (database versions not stated): ExAC 0.57034; TOPMed 0.50901; ESP Exome Variant Server 0.46355; gnomAD 0.50124; 1000 Genomes Project 0.57768; 1000 Genomes Project 30x 0.57277.
gnomAD v4.1: 810,601 of 1,608,192 alleles (50%); highest among the groups gnomAD compares: Admixed American, 72%; 208,979 homozygotes.

Submission:

Unidad de Genómica Garrahan, Hospital de Pediatría Garrahan
Classification: Benign. Last evaluated: 2024-01-24. Review status: criteria provided, single submitter. Criteria: ACMG Guidelines, 2015. Collection method: clinical testing. Allele origin: germline. Affected: no. Observed: 76 variant alleles.
Comment: This variant is classified as Benign based on local population frequency. This variant was detected in 86% of patients studied by a panel of primary immunodeficiencies. Number of patients: 76. Only high quality variants are reported.